The following is an entry in ClinVar:

NM_016507.4(CDK12):c.3785C>T (p.Pro1262Leu)

Gene: CDK12 (cyclin dependent kinase 12; plus strand). Cytogenetic location: 17q12.
Variant type: single nucleotide variant.
Coding change: c.3785C>T on transcript NM_016507.4 (MANE Select); coding-DNA position 3785, C replaced by T.
Protein change: p.Pro1262Leu; replaces proline 1262 with leucine.
Molecular consequence: missense variant. On other transcripts: intron variant (1).
Genome position (GRCh38, 1-based): chr17:39,530,628, C>T. VCF-style: chr17-39530628-C-T. GRCh37 (hg19) VCF-style: chr17-37686881-C-T.
Other names: c.3761-3C>T (NM_015083.4); short protein forms P1262L.
Identifiers: ClinVar variation 4868445 (VCV004868445.1).

ClinVar aggregate classification (germline): Uncertain significance (1 of 4 stars; one submission).

Submission:

Ambry Genetics
Classification: Uncertain significance. Last evaluated: 2026-03-15. Review status: criteria provided, single submitter. Criteria: Ambry Variant Classification Scheme 2023. Collection method: clinical testing. Allele origin: germline.
Comment: The p.P1262L variant (also known as c.3785C>T), located in coding exon 14 of the CDK12 gene, results from a C to T substitution at nucleotide position 3785. The proline at codon 1262 is replaced by leucine, an amino acid with similar properties. This amino acid position is conserved. In addition, the in silico prediction for this alteration is inconclusive. Based on the available evidence, the clinical significance of this variant remains unclear.